The following is an entry in ClinVar:

NM_006493.4(CLN5):c.292C>T (p.Gln98Ter)

Gene: CLN5 (CLN5 lysosomal BMP synthase; plus strand). Cytogenetic location: 13q22.3.
Variant type: single nucleotide variant.
Coding change: c.292C>T on transcript NM_006493.4 (MANE Select); coding-DNA position 292, C replaced by T.
Protein change: p.Gln98Ter; replaces glutamine 98 with a stop codon.
Molecular consequence: nonsense.
Genome position (GRCh38, 1-based): chr13:76,995,181, C>T. VCF-style: chr13-76995181-C-T. GRCh37 (hg19) VCF-style: chr13-77569316-C-T.
Other names: c.292C>T, p.Gln98Ter (NM_001366624.2); short protein forms Q147*, Q98*.
Identifiers: ClinVar variation 4815512 (VCV004815512.1).

ClinVar aggregate classification (germline): Likely pathogenic (1 of 4 stars; one submission).

Conditions:
Neuronal ceroid lipofuscinosis. Also called: Neuronal Ceroid Lipofuscinoses. Identifiers: Orphanet 216, Orphanet 79263, MedGen C0027877, MONDO:0016295. Disease mechanism: loss of function.

gnomAD v4.1: 1 of 1,614,122 alleles (0.000062%); highest among the groups gnomAD compares: South Asian, 0.0011%; no homozygotes.

Submission:

Natera, Inc.
Classification: Likely pathogenic for Neuronal ceroid lipofuscinosis. Last evaluated: 2024-04-05. Review status: criteria provided, single submitter. Criteria: Natera Variant Classification Schema (03/2026). Collection method: clinical testing. Allele origin: germline.
Comment: The c.439C>T variant in CLN5 is a nonsense variant predicted to introduce a stop codon at amino acid 147. This variant is expected to result in nonsense mediated decay, truncation, or a dysfunctional protein product. This variant is rare in the general population with a frequency below the threshold expected for the associated phenotype(s). Given the available evidence, this variant is classified as Likely Pathogenic.